The following is an entry in ClinVar:

ClinVar aggregate classification (germline): Likely benign. Review status: criteria provided, multiple submitters, no conflicts (2 of 4 stars). 2 submissions from 2 submitters: Likely benign (2). Last evaluated 2026-01-19.

Conditions:
Tuberous sclerosis 2 (TSC2). Identifiers: Orphanet 805, MedGen C1860707, MONDO:0013199, OMIM 613254.

Submissions (2):

Labcorp Genetics (formerly Invitae), Labcorp
Classification: Likely benign for Tuberous sclerosis 2. Last evaluated: 2026-01-19. Review status: criteria provided, single submitter. Criteria: Invitae Variant Classification Sherloc (09022015). Collection method: clinical testing. Allele origin: germline.

Myriad Genetics, Inc.
Classification: Likely benign for Tuberous sclerosis 2. Last evaluated: 2025-05-29. Review status: criteria provided, single submitter. Criteria: Myriad Autosomal Dominant, Autosomal Recessive and X-Linked Classification Criteria (2023). Collection method: clinical testing. Allele origin: unknown.
Comment: This variant is considered likely benign. This variant is intronic and is not expected to impact mRNA splicing.

NM_000548.5(TSC2):c.3611-14T>C

Gene: TSC2 (TSC complex subunit 2; plus strand). Cytogenetic location: 16p13.3.
Variant type: single nucleotide variant.
Coding change: c.3611-14T>C on transcript NM_000548.5 (MANE Select); 14 bases into the intron before coding-DNA position 3611, T replaced by C.
Molecular consequence: intron variant.
Genome position (GRCh38, 1-based): chr16:2,081,581, T>C. VCF-style: chr16-2081581-T-C. GRCh37 (hg19) VCF-style: chr16-2131582-T-C.
Other names: c.3611-14T>C (NM_001114382.3); c.3482-14T>C (NM_021055.3, NM_001370405.1, NM_001363528.2); c.3479-14T>C (NM_001370404.1, NM_001077183.3); c.3371-14T>C (NM_001318827.2); c.2879-14T>C (NM_001318831.2); c.3335-14T>C (NM_001318829.2); c.3512-14T>C (NM_001318832.2).
Identifiers: ClinVar variation 2036727 (VCV002036727.5), dbSNP rs2544151141, ClinGen allele CA2580091008.